The following is an entry in ClinVar:

ClinVar aggregate classification (germline): Benign/Likely benign. Review status: criteria provided, multiple submitters, no conflicts (2 of 4 stars). 3 submissions from 3 submitters: Benign (1); Likely benign (2). Last evaluated 2025-08-12.

Conditions:
Mitochondrial complex II deficiency, nuclear type 1. Also called: SUCCINATE CoQ REDUCTASE DEFICIENCY. Identifiers: Orphanet 3208, MedGen C5700310, MONDO:0100294, OMIM 252011.
Pheochromocytoma/paraganglioma syndrome 5. Also called: Paragangliomas 5; SDHA-Related Hereditary Paraganglioma-Pheochromocytoma Syndrome. Identifiers: Orphanet 29072, MedGen C3279992, MONDO:0013602, OMIM 614165.
Hereditary cancer-predisposing syndrome. Also called: Tumor predisposition; Hereditary Cancer Syndrome; Hereditary neoplastic syndrome; Neoplastic Syndromes, Hereditary. Identifiers: Orphanet 140162, MedGen C0027672, MeSH D009386, MONDO:0015356.

Allele frequency attached by ClinVar (database versions not stated): gnomAD exomes below 0.00001; TOPMed below 0.00001.
gnomAD v4.1: 6 of 1,614,166 alleles (0.00037%); highest among the groups gnomAD compares: Non-Finnish European, 0.00051%; no homozygotes.

Submissions (3):

Labcorp Genetics (formerly Invitae), Labcorp
Classification: Likely benign for Pheochromocytoma/paraganglioma syndrome 5; Mitochondrial complex II deficiency, nuclear type 1. Last evaluated: 2025-08-12. Review status: criteria provided, single submitter. Criteria: Invitae Variant Classification Sherloc (09022015). Collection method: clinical testing. Allele origin: germline.

Myriad Genetics, Inc.
Classification: Benign for Pheochromocytoma/paraganglioma syndrome 5. Last evaluated: 2025-03-03. Review status: criteria provided, single submitter. Criteria: Myriad Autosomal Dominant, Autosomal Recessive and X-Linked Classification Criteria (2023). Collection method: clinical testing. Allele origin: unknown.
Comment: This variant is considered benign. This variant is a silent/synonymous amino acid change and it is not expected to impact splicing.

Ambry Genetics
Classification: Likely benign for Hereditary cancer-predisposing syndrome. Last evaluated: 2023-11-22. Review status: criteria provided, single submitter. Criteria: Ambry Variant Classification Scheme 2023. Collection method: clinical testing. Allele origin: germline.

NM_004168.4(SDHA):c.612A>G (p.Leu204=)

Gene: SDHA (succinate dehydrogenase complex flavoprotein subunit A; plus strand). Cytogenetic location: 5p15.33.
Variant type: single nucleotide variant.
Coding change: c.612A>G on transcript NM_004168.4 (MANE Select); coding-DNA position 612, A replaced by G.
Protein change: p.Leu204=; no amino-acid change (leucine 204 retained).
Molecular consequence: synonymous variant.
Genome position (GRCh38, 1-based): chr5:226,038, A>G. VCF-style: chr5-226038-A-G. GRCh37 (hg19) VCF-style: chr5-226153-A-G.
Other names: c.468A>G, p.Leu156= (NM_001294332.2); c.612A>G, p.Leu204= (NM_001330758.2); c.612A>G (NM_004168.2).
Identifiers: ClinVar variation 1359452 (VCV001359452.10), dbSNP rs1735001336, ClinGen allele CA442691176.